The following is an entry in ClinVar:

ClinVar aggregate classification (germline): Likely pathogenic (1 of 4 stars; one submission).

Conditions:
Inborn genetic diseases. Identifiers: MedGen C0950123, MeSH D030342.

gnomAD v4.1: 1 of 1,614,058 alleles (0.000062%); no homozygotes.

Submission:

Ambry Genetics
Classification: Likely pathogenic for Inborn genetic diseases. Last evaluated: 2021-05-29. Review status: criteria provided, single submitter. Criteria: Ambry Variant Classification Scheme 2023. Collection method: clinical testing. Allele origin: germline.
Comment: The c.1007G>T (p.R336L) alteration is located in exon 3 (coding exon 3) of the UGT1A1 gene. This alteration results from a G to T substitution at nucleotide position 1007, causing the arginine (R) at amino acid position 336 to be replaced by a leucine (L). Based on data from the Genome Aggregation Database (gnomAD), the UGT1A1 c.1007G>T alteration was not observed, with coverage at this position. This patient was diagnosed with Crigler-Najjar syndrome type 2 based on intermediate levels of persistent hyperbilirubinaemia (Servedio, 2005). In addition, other alterations affecting the same amino acid, p.R336W and p.R336Q, have been reported in patients with Crigler-Najjar syndrome (Ciotti, 1998; Servedio, 2005; Sneitz, 2010). This amino acid position is highly conserved in available vertebrate species. The in silico prediction for the p.R336L alteration is inconclusive. Based on the available evidence, this alteration is classified as likely pathogenic.

Literature cited by the submitters: PubMed 9639672; PubMed 15712364; PubMed 19830808.

NM_000463.3(UGT1A1):c.1007G>T (p.Arg336Leu)

Genes: UGT1A (UDP glucuronosyltransferase family 1 member A complex locus; plus strand), UGT1A1 (UDP glucuronosyltransferase family 1 member A1; plus strand), UGT1A10 (UDP glucuronosyltransferase family 1 member A10; plus strand), UGT1A3 (UDP glucuronosyltransferase family 1 member A3; plus strand), UGT1A4 (UDP glucuronosyltransferase family 1 member A4; plus strand) and 5 more. Cytogenetic location: 2q37.1.
Variant type: single nucleotide variant.
Coding change: c.1007G>T on transcript NM_000463.3 (MANE Select); coding-DNA position 1007, G replaced by T.
Protein change: p.Arg336Leu; replaces arginine 336 with leucine.
Molecular consequence: missense variant.
Genome position (GRCh38, 1-based): chr2:233,767,859, G>T. VCF-style: chr2-233767859-G-T. GRCh37 (hg19) VCF-style: chr2-234676505-G-T.
Other names: c.998G>T, p.Arg333Leu (NM_019075.4, NM_019076.5, NM_019077.3 and 1 more transcripts); c.1004G>T, p.Arg335Leu (NM_001072.4); c.203G>T, p.Arg68Leu (NM_205862.3); c.1010G>T, p.Arg337Leu (NM_019078.2, NM_007120.3, NM_019093.4); short protein forms R335L, R337L, R336L, R68L, R333L.
Identifiers: ClinVar variation 2231117 (VCV002231117.2), dbSNP rs750453538, ClinGen allele CA351072808.